The following is an entry in ClinVar:

NM_000384.3(APOB):c.13277T>C (p.Ile4426Thr)

Gene: APOB (apolipoprotein B; minus strand). Cytogenetic location: 2p24.1.
Variant type: single nucleotide variant.
Coding change: c.13277T>C on transcript NM_000384.3 (MANE Select); coding-DNA position 13277, T replaced by C.
Protein change: p.Ile4426Thr; replaces isoleucine 4426 with threonine.
Molecular consequence: missense variant.
Genome position (GRCh38, 1-based): chr2:21,002,145, A>G on the plus strand (T>C on the coding strand, the complement: APOB is on the minus strand). VCF-style: chr2-21002145-A-G. GRCh37 (hg19) VCF-style: chr2-21225017-A-G.
Other names: short protein forms I4426T.
Identifiers: ClinVar variation 2681868 (VCV002681868.1), dbSNP rs768381269, ClinGen allele CA052330.

ClinVar aggregate classification (germline): Uncertain significance (1 of 4 stars; one submission).

Allele frequency attached by ClinVar (database versions not stated): ExAC 0.00001; gnomAD exomes 0.00001.
gnomAD v4.1: 7 of 1,613,968 alleles (0.00043%); highest among the groups gnomAD compares: Admixed American, 0.0033%; no homozygotes.

Submission:

Quest Diagnostics Nichols Institute San Juan Capistrano
Classification: Uncertain significance. Last evaluated: 2023-09-05. Review status: criteria provided, single submitter. Criteria: Quest Diagnostics criteria. Collection method: clinical testing. Allele origin: unknown.
Comment: To the best of our knowledge, this variant has not been reported in the published literature. The frequency of this variant in the general population, 0.000012 (3/249948 chromosomes (Genome Aggregation Database)), is uninformative in the assessment of its pathogenicity. Based on the available information, we are unable to determine the clinical significance of this variant.